The following is an entry in ClinVar:

ClinVar aggregate classification (germline): Uncertain significance (1 of 4 stars; one submission).

Conditions:
Primary ciliary dyskinesia. Also called: Ciliary dyskinesia. Identifiers: Orphanet 244, MedGen C0008780, MONDO:0016575, HP:0012265.

gnomAD v4.1: 1 of 1,612,462 alleles (0.000062%); no homozygotes.

Submission:

Labcorp Genetics (formerly Invitae), Labcorp
Classification: Uncertain significance for Primary ciliary dyskinesia. Last evaluated: 2021-04-24. Review status: criteria provided, single submitter. Criteria: Invitae Variant Classification Sherloc (09022015). Collection method: clinical testing. Allele origin: germline.
Comment: In summary, the available evidence is currently insufficient to determine the role of this variant in disease. Therefore, it has been classified as a Variant of Uncertain Significance. Algorithms developed to predict the effect of missense changes on protein structure and function are either unavailable or do not agree on the potential impact of this missense change (SIFT: "Deleterious"; PolyPhen-2: "Not Available"; Align-GVGD: "Class C45"). This variant has not been reported in the literature in individuals with DNAH8-related conditions. This variant is not present in population databases (ExAC no frequency). This sequence change replaces lysine with glutamine at codon 2201 of the DNAH8 protein (p.Lys2201Gln). The lysine residue is highly conserved and there is a small physicochemical difference between lysine and glutamine.

NM_001206927.2(DNAH8):c.6601A>C (p.Lys2201Gln)

Gene: DNAH8 (dynein axonemal heavy chain 8; plus strand). Cytogenetic location: 6p21.2.
Variant type: single nucleotide variant.
Coding change: c.6601A>C on transcript NM_001206927.2 (MANE Select); coding-DNA position 6601, A replaced by C.
Protein change: p.Lys2201Gln; replaces lysine 2201 with glutamine.
Molecular consequence: missense variant.
Genome position (GRCh38, 1-based): chr6:38,866,784, A>C. VCF-style: chr6-38866784-A-C. GRCh37 (hg19) VCF-style: chr6-38834560-A-C.
Other names: c.5950A>C, p.Lys1984Gln (NM_001371.4); short protein forms K1984Q, K2201Q.
Identifiers: ClinVar variation 1364910 (VCV001364910.8), dbSNP rs2150418898, ClinGen allele CA364024355.
Genomic context (GRCh38, chr6:38,866,784, plus strand): 5'-TGTTTTTCACTAAAGTTGAAAAAAACTCACTATATTAATTTTCAGATCATTATGAGAGTT[A>C]AACTTGCAAGCTGTGGTTTTCTTGAAAATGTTATCTTGGCTCAAAAATTTTACGTTCTTT-3'
Protein context (NP_001193856.1, residues 2191-2211): VPDRQIIMRV[Lys2201Gln]LASCGFLENV